The following is an entry in ClinVar:

NM_000081.4(LYST):c.7188C>G (p.Phe2396Leu)

Gene: LYST (lysosomal trafficking regulator; minus strand). Cytogenetic location: 1q42.3.
Variant type: single nucleotide variant.
Coding change: c.7188C>G on transcript NM_000081.4 (MANE Select); coding-DNA position 7188, C replaced by G.
Protein change: p.Phe2396Leu; replaces phenylalanine 2396 with leucine.
Molecular consequence: missense variant.
Genome position (GRCh38, 1-based): chr1:235,755,519, G>C on the plus strand (C>G on the coding strand, the complement: LYST is on the minus strand). VCF-style: chr1-235755519-G-C. GRCh37 (hg19) VCF-style: chr1-235918819-G-C.
Other names: c.7188C>G, p.Phe2396Leu (NM_001301365.1); short protein forms F2396L.
Identifiers: ClinVar variation 4742791 (VCV004742791.1).
Genomic context (GRCh38, chr1:235,755,519, plus strand): 5'-GAGGGAAGAACACACTTACTCTTCATCAAGGCCAATATGTCGACCAAAGAACATTTCGAT[G>C]AAGCATTCTAACAATTCTTGAGTTCCTCGATGAAGATACAACTGGTTGGCTAGCAAGGAA-3'
Protein context (NP_000072.2, residues 2386-2406): HRGTQELLEC[Phe2396Leu]IEMFFGRHIG

ClinVar aggregate classification (germline): Uncertain significance (1 of 4 stars; one submission).

Conditions:
Chédiak-Higashi syndrome (CHS). Also called: Chediak-Higashi Syndrome. Identifiers: Orphanet 167, MedGen C0007965, MONDO:0008963, OMIM 214500.

Submission:

Labcorp Genetics (formerly Invitae), Labcorp
Classification: Uncertain significance for Chédiak-Higashi syndrome. Last evaluated: 2025-08-18. Review status: criteria provided, single submitter. Criteria: Invitae Variant Classification Sherloc (09022015). Collection method: clinical testing. Allele origin: germline.
Comment: This sequence change replaces phenylalanine, which is neutral and non-polar, with leucine, which is neutral and non-polar, at codon 2396 of the LYST protein (p.Phe2396Leu). This variant is not present in population databases (gnomAD no frequency). This variant has not been reported in the literature in individuals affected with LYST-related conditions. Invitae Evidence Modeling of protein sequence and biophysical properties (such as structural, functional, and spatial information, amino acid conservation, physicochemical variation, residue mobility, and thermodynamic stability) indicates that this missense variant is not expected to disrupt LYST protein function with a negative predictive value of 80%. In summary, the available evidence is currently insufficient to determine the role of this variant in disease. Therefore, it has been classified as a Variant of Uncertain Significance.